The following is an entry in ClinVar:

ClinVar aggregate classification (germline): Likely pathogenic (1 of 4 stars; one submission).

gnomAD v4.1: 1 of 1,614,070 alleles (0.000062%); highest among the groups gnomAD compares: Non-Finnish European, 0.000085%; no homozygotes.

Submission:

Labcorp Genetics (formerly Invitae), Labcorp
Classification: Likely pathogenic. Last evaluated: 2025-12-08. Review status: criteria provided, single submitter. Criteria: Invitae Variant Classification Sherloc (09022015). Collection method: clinical testing. Allele origin: germline.
Comment: This sequence change affects a donor splice site in intron 6 of the DLL3 gene. It is expected to disrupt RNA splicing. Variants that disrupt the donor or acceptor splice site typically lead to a loss of protein function (PMID: 16199547), and loss-of-function variants in DLL3 are known to be pathogenic (PMID: 12746394). This variant is present in population databases (rs777748147, gnomAD 0.0009%). This variant has not been reported in the literature in individuals affected with DLL3-related conditions. ClinVar contains an entry for this variant (Variation ID: 3630420). Algorithms developed to predict the effect of sequence changes on RNA splicing suggest that this variant may disrupt the consensus splice site. In summary, the currently available evidence indicates that the variant is pathogenic, but additional data are needed to prove that conclusively. Therefore, this variant has been classified as Likely Pathogenic.

Literature cited by the submitters: PubMed 16199547; PubMed 12746394.

NM_203486.3(DLL3):c.1093+1G>A

Gene: DLL3 (delta like canonical Notch ligand 3; plus strand). Cytogenetic location: 19q13.2.
Variant type: single nucleotide variant.
Coding change: c.1093+1G>A on transcript NM_203486.3 (MANE Select); the canonical splice donor site of the intron after coding-DNA position 1093, G replaced by A.
Molecular consequence: splice donor variant.
Genome position (GRCh38, 1-based): chr19:39,505,452, G>A. VCF-style: chr19-39505452-G-A. GRCh37 (hg19) VCF-style: chr19-39996092-G-A.
Other names: c.1093+1G>A (NM_016941.4).
Identifiers: ClinVar variation 3630420 (VCV003630420.2).